The following is an entry in ClinVar:

NM_177438.3(DICER1):c.816G>A (p.Met272Ile)

Gene: DICER1 (dicer 1, ribonuclease III; minus strand). Cytogenetic location: 14q32.13.
Variant type: single nucleotide variant.
Coding change: c.816G>A on transcript NM_177438.3 (MANE Select); coding-DNA position 816, G replaced by A.
Protein change: p.Met272Ile; replaces methionine 272 with isoleucine.
Molecular consequence: missense variant. On other transcripts: 5 prime UTR variant (1), non-coding transcript variant (6).
Genome position (GRCh38, 1-based): chr14:95,126,667, C>T on the plus strand (G>A on the coding strand, the complement: DICER1 is on the minus strand). VCF-style: chr14-95126667-C-T. GRCh37 (hg19) VCF-style: chr14-95593004-C-T.
Other names: c.816G>A, p.Met272Ile (NM_001195573.1, NM_001271282.3, NM_001291628.2 and 15 more transcripts); c.534G>A, p.Met178Ile (NM_001395686.1); c.411G>A, p.Met137Ile (NM_001395687.1, NM_001395688.1, NM_001395689.1 and 3 more transcripts); c.249G>A, p.Met83Ile (NM_001395691.1); c.-753G>A (NM_001395697.1); short protein forms M137I, M272I, M178I, M83I.
Identifiers: ClinVar variation 2807876 (VCV002807876.3), dbSNP rs1566806837, ClinGen allele CA390887666.

ClinVar aggregate classification (germline): Uncertain significance (1 of 4 stars; one submission).

Conditions:
DICER1-related tumor predisposition. Also called: DICER1 syndrome; DICER1-related pleuropulmonary blastoma cancer predisposition syndrome. Identifiers: Orphanet 284343, MedGen C3839822, MONDO:0100216.

Submission:

Labcorp Genetics (formerly Invitae), Labcorp
Classification: Uncertain significance for DICER1-related tumor predisposition. Last evaluated: 2022-11-02. Review status: criteria provided, single submitter. Criteria: Invitae Variant Classification Sherloc (09022015). Collection method: clinical testing. Allele origin: germline.
Comment: This sequence change replaces methionine, which is neutral and non-polar, with isoleucine, which is neutral and non-polar, at codon 272 of the DICER1 protein (p.Met272Ile). In summary, the available evidence is currently insufficient to determine the role of this variant in disease. Therefore, it has been classified as a Variant of Uncertain Significance. Advanced modeling of protein sequence and biophysical properties (such as structural, functional, and spatial information, amino acid conservation, physicochemical variation, residue mobility, and thermodynamic stability) performed at Invitae indicates that this missense variant is not expected to disrupt DICER1 protein function. This variant has not been reported in the literature in individuals affected with DICER1-related conditions. This variant is not present in population databases (gnomAD no frequency).